The following is an entry in ClinVar:

ClinVar aggregate classification (germline): Likely benign (1 of 4 stars; one submission).

Conditions:
Malignant hyperthermia, susceptibility to, 5 (MHS5). Also called: CACNA1S-Related Malignant Hyperthermia Susceptibility. Identifiers: Orphanet 423, MedGen C1866077, MONDO:0011163, OMIM 601887.

Allele frequency attached by ClinVar (database versions not stated): gnomAD exomes below 0.00001.
gnomAD v4.1: 1 of 1,613,842 alleles (0.000062%); highest among the groups gnomAD compares: Non-Finnish European, 0.000085%; no homozygotes.

Submission:

All of Us Research Program, National Institutes of Health
Classification: Likely benign for Malignant hyperthermia, susceptibility to, 5. Last evaluated: 2023-10-06. Review status: criteria provided, single submitter. Criteria: ACMG Guidelines, 2015. Collection method: clinical testing. Allele origin: germline. Inheritance: Autosomal dominant inheritance. Observed: 1 variant allele, 1 heterozygote.
Comment: This study involves interpretation of variants in research participants for the purpose of population health screening. Participant phenotype was not available at the time of variant classification. Additional details can be found in publication PMID: 35346344, PMCID: PMC8962531

NM_000069.3(CACNA1S):c.3894C>A (p.Thr1298=)

Gene: CACNA1S (calcium voltage-gated channel subunit alpha1 S; minus strand). Cytogenetic location: 1q32.1.
Variant type: single nucleotide variant.
Coding change: c.3894C>A on transcript NM_000069.3 (MANE Select); coding-DNA position 3894, C replaced by A.
Protein change: p.Thr1298=; no amino-acid change (threonine 1298 retained).
Molecular consequence: synonymous variant.
Genome position (GRCh38, 1-based): chr1:201,052,616, G>T on the plus strand (C>A on the coding strand, the complement: CACNA1S is on the minus strand). VCF-style: chr1-201052616-G-T. GRCh37 (hg19) VCF-style: chr1-201021744-G-T.
Identifiers: ClinVar variation 3073736 (VCV003073736.1), dbSNP rs1660694016, ClinGen allele CA422719421.